The following is an entry in ClinVar:

NM_000104.4(CYP1B1):c.*1871C>T

Gene: CYP1B1 (cytochrome P450 family 1 subfamily B member 1; minus strand). Cytogenetic location: 2p22.2.
Variant type: single nucleotide variant.
Coding change: c.*1871C>T on transcript NM_000104.4 (MANE Select); 1871 bases downstream of the stop codon, C replaced by T.
Molecular consequence: 3 prime UTR variant.
Genome position (GRCh38, 1-based): chr2:38,068,851, G>A on the plus strand (C>T on the coding strand, the complement: CYP1B1 is on the minus strand). VCF-style: chr2-38068851-G-A. GRCh37 (hg19) VCF-style: chr2-38295994-G-A.
Identifiers: ClinVar variation 335920 (VCV000335920.6), dbSNP rs9341266, ClinGen allele CA10613765.

ClinVar aggregate classification (germline): Benign. Review status: criteria provided, multiple submitters, no conflicts (2 of 4 stars). 3 submissions from 2 submitters: Benign (3). Last evaluated 2018-01-12.

Conditions:
Glaucoma 3A. Also called: Glaucoma 3, primary congenital, A. Identifiers: Orphanet 98976, Orphanet 98977, MedGen C1856439, MONDO:0009277, OMIM 231300.
Irido-corneo-trabecular dysgenesis (ASGD5). Also called: ANTERIOR SEGMENT DYSGENESIS 5. Identifiers: Orphanet 708, MedGen C0344559, MONDO:0011414, OMIM 604229, HP:0000659.

Allele frequency attached by ClinVar (database versions not stated): TOPMed 0.03455; gnomAD 0.03671 and 0.03904; gnomAD exomes 0.04577; 1000 Genomes Project 30x 0.05715; 1000 Genomes Project 0.05871.
gnomAD v4.1: 9,409 of 227,194 alleles (4.1%); highest among the groups gnomAD compares: South Asian, 9.3%; 269 homozygotes.

Submissions (3):

Illumina Laboratory Services, Illumina
Classification: Benign for Glaucoma 3A. Last evaluated: 2018-01-12. Review status: criteria provided, single submitter. Criteria: ICSL Variant Classification Criteria 13 December 2019. Collection method: clinical testing. Allele origin: germline.
Comment: This variant was observed in the ICSL laboratory as part of a predisposition screen in an ostensibly healthy population. It had not been previously curated by ICSL or reported in the Human Gene Mutation Database (HGMD: prior to June 1st, 2018), and was therefore a candidate for classification through an automated scoring system. Utilizing variant allele frequency, disease prevalence and penetrance estimates, and inheritance mode, an automated score was calculated to assess if this variant is too frequent to cause the disease. Based on the score and internal cut-off values, a variant classified as benign is not then subjected to further curation. The score for this variant resulted in a classification of benign for this disease.

Illumina Laboratory Services, Illumina
Classification: Benign for Irido-corneo-trabecular dysgenesis. Last evaluated: 2018-01-12. Review status: criteria provided, single submitter. Criteria: ICSL Variant Classification Criteria 13 December 2019. Collection method: clinical testing. Allele origin: germline.
Comment: the same text as in the submission from Illumina Laboratory Services, Illumina above.

Breakthrough Genomics
Classification: Benign. Review status: criteria provided, single submitter. Criteria: ACMG Guidelines, 2015. Collection method: not provided. Allele origin: germline. Inheritance: Autosomal recessive inheritance. Affected: yes.